The following is an entry in ClinVar:

NM_000238.4(KCNH2):c.2565C>G (p.Ser855Arg)

Gene: KCNH2 (potassium voltage-gated channel subfamily H member 2; minus strand). Cytogenetic location: 7q36.1.
Variant type: single nucleotide variant.
Coding change: c.2565C>G on transcript NM_000238.4 (MANE Select); coding-DNA position 2565, C replaced by G.
Protein change: p.Ser855Arg; replaces serine 855 with arginine.
Molecular consequence: missense variant.
Genome position (GRCh38, 1-based): chr7:150,948,883, G>C on the plus strand (C>G on the coding strand, the complement: KCNH2 is on the minus strand). VCF-style: chr7-150948883-G-C. GRCh37 (hg19) VCF-style: chr7-150645971-G-C.
Other names: c.1545C>G, p.Ser515Arg (NM_172057.3); short protein forms S855R, S515R.
Identifiers: ClinVar variation 1490630 (VCV001490630.8), dbSNP rs1229440071, ClinGen allele CA369854763.

ClinVar aggregate classification (germline): Uncertain significance (1 of 4 stars; one submission).

Conditions:
Long QT syndrome (LQTS). Identifiers: MedGen C0023976, MeSH D008133, MONDO:0002442. Disease mechanism: loss of function. Inheritance: Various modes of inheritance.

Allele frequency attached by ClinVar (database versions not stated): TOPMed below 0.00001; gnomAD 0.00001.
gnomAD v4.1: 3 of 1,614,110 alleles (0.00019%); highest among the groups gnomAD compares: Non-Finnish European, 0.00025%; no homozygotes.

Submission:

Labcorp Genetics (formerly Invitae), Labcorp
Classification: Uncertain significance for Long QT syndrome. Last evaluated: 2023-01-07. Review status: criteria provided, single submitter. Criteria: Invitae Variant Classification Sherloc (09022015). Collection method: clinical testing. Allele origin: germline.
Comment: In summary, the available evidence is currently insufficient to determine the role of this variant in disease. Therefore, it has been classified as a Variant of Uncertain Significance. Algorithms developed to predict the effect of missense changes on protein structure and function are either unavailable or do not agree on the potential impact of this missense change (SIFT: "Deleterious"; PolyPhen-2: "Possibly Damaging"; Align-GVGD: "Class C0"). ClinVar contains an entry for this variant (Variation ID: 1490630). This missense change has been observed in individual(s) with clinical features of long QT syndrome (PMID: 24667783). This variant is not present in population databases (gnomAD no frequency). This sequence change replaces serine, which is neutral and polar, with arginine, which is basic and polar, at codon 855 of the KCNH2 protein (p.Ser855Arg).

Literature cited by the submitters: PubMed 24667783.